The following is an entry in ClinVar:

NM_020937.4(FANCM):c.5107C>T (p.His1703Tyr)

Gene: FANCM (FA complementation group M; plus strand). Cytogenetic location: 14q21.2.
Variant type: single nucleotide variant.
Coding change: c.5107C>T on transcript NM_020937.4 (MANE Select); coding-DNA position 5107, C replaced by T.
Protein change: p.His1703Tyr; replaces histidine 1703 with tyrosine.
Molecular consequence: missense variant.
Genome position (GRCh38, 1-based): chr14:45,189,129, C>T. VCF-style: chr14-45189129-C-T. GRCh37 (hg19) VCF-style: chr14-45658332-C-T.
Other names: c.5029C>T, p.His1677Tyr (NM_001308133.2); short protein forms H1703Y, H1677Y.
Identifiers: ClinVar variation 2852993 (VCV002852993.4), dbSNP rs367653310, ClinGen allele CA7169909.
Genomic context (GRCh38, chr14:45,189,129, plus strand): 5'-AAAAGAGAATCTAATATTGCGGTTAACCCAAGCACTGTTAAGAAGAACAAACAACAGGAC[C>T]ATTGTTTAAATTCAGTGCCTTCTGGATCTTCTGCGCAGTCCAAGGTGCGTTCTACTCCAA-3'
Protein context (NP_065988.1, residues 1693-1713): STVKKNKQQD[His1703Tyr]CLNSVPSGSS

ClinVar aggregate classification (germline): Uncertain significance. Review status: criteria provided, multiple submitters, no conflicts (2 of 4 stars). 2 submissions from 2 submitters: Uncertain significance (2). Last evaluated 2026-04-22.

Conditions:
Inborn genetic diseases. Identifiers: MedGen C0950123, MeSH D030342.
Fanconi anemia (FA). Also called: Fanconi's anemia. Identifiers: Orphanet 84, MedGen C0015625, MeSH D005199, MONDO:0019391.

Allele frequency attached by ClinVar (database versions not stated): ESP Exome Variant Server 0.00008.
gnomAD v4.1: 3 of 1,613,768 alleles (0.00019%); highest among the groups gnomAD compares: Non-Finnish European, 0.00025%; no homozygotes.

Submissions (2):

Ambry Genetics
Classification: Uncertain significance for Inborn genetic diseases. Last evaluated: 2026-04-22. Review status: criteria provided, single submitter. Criteria: Ambry Variant Classification Scheme 2023. Collection method: clinical testing. Allele origin: germline.
Comment: The p.H1703Y variant (also known as c.5107C>T), located in coding exon 20 of the FANCM gene, results from a C to T substitution at nucleotide position 5107. The histidine at codon 1703 is replaced by tyrosine, an amino acid with similar properties. This amino acid position is conserved. In addition, this alteration is predicted to be tolerated by in silico analysis. Based on the available evidence, the clinical significance of this variant remains unclear.

Labcorp Genetics (formerly Invitae), Labcorp
Classification: Uncertain significance for Fanconi anemia. Last evaluated: 2024-01-08. Review status: criteria provided, single submitter. Criteria: Invitae Variant Classification Sherloc (09022015). Collection method: clinical testing. Allele origin: germline.
Comment: This sequence change replaces histidine, which is basic and polar, with tyrosine, which is neutral and polar, at codon 1703 of the FANCM protein (p.His1703Tyr). This variant is present in population databases (rs367653310, gnomAD 0.0009%). This variant has not been reported in the literature in individuals affected with FANCM-related conditions. Algorithms developed to predict the effect of missense changes on protein structure and function output the following: SIFT: "Not Available"; PolyPhen-2: "Benign"; Align-GVGD: "Not Available". The tyrosine amino acid residue is found in multiple mammalian species, which suggests that this missense change does not adversely affect protein function. In summary, the available evidence is currently insufficient to determine the role of this variant in disease. Therefore, it has been classified as a Variant of Uncertain Significance.